The following is an entry in ClinVar:

NM_139321.3(ATRN):c.1805T>C (p.Val602Ala)

Gene: ATRN (attractin; plus strand). Cytogenetic location: 20p13.
Variant type: single nucleotide variant.
Coding change: c.1805T>C on transcript NM_139321.3 (MANE Select); coding-DNA position 1805, T replaced by C.
Protein change: p.Val602Ala; replaces valine 602 with alanine.
Molecular consequence: missense variant.
Genome position (GRCh38, 1-based): chr20:3,565,366, T>C. VCF-style: chr20-3565366-T-C. GRCh37 (hg19) VCF-style: chr20-3546013-T-C.
Other names: c.1457T>C, p.Val486Ala (NM_001207047.3); c.1805T>C, p.Val602Ala (NM_001323332.2, NM_139322.4); short protein forms V486A, V602A.
Identifiers: ClinVar variation 2059632 (VCV002059632.3), dbSNP rs143368565, ClinGen allele CA9744147.

ClinVar aggregate classification (germline): Uncertain significance (1 of 4 stars; one submission).

Allele frequency attached by ClinVar (database versions not stated): gnomAD 0.00033; ExAC 0.00039; TOPMed 0.00046; gnomAD exomes 0.00056; ESP Exome Variant Server 0.00085.
gnomAD v4.1: 873 of 1,614,014 alleles (0.054%); highest among the groups gnomAD compares: Non-Finnish European, 0.066%; no homozygotes.

Submission:

Labcorp Genetics (formerly Invitae), Labcorp
Classification: Uncertain significance. Last evaluated: 2026-02-02. Review status: criteria provided, single submitter. Criteria: Invitae Variant Classification Sherloc (09022015). Collection method: clinical testing. Allele origin: germline.
Comment: This sequence change replaces valine, which is neutral and non-polar, with alanine, which is neutral and non-polar, at codon 602 of the ATRN protein (p.Val602Ala). This variant is present in population databases (rs143368565, gnomAD 0.06%), and has an allele count higher than expected for a pathogenic variant. This variant has not been reported in the literature in individuals affected with ATRN-related conditions. ClinVar contains an entry for this variant (Variation ID: 2059632). An algorithm developed to predict the effect of missense changes on protein structure and function (PolyPhen-2) suggests that this variant is likely to be tolerated. In summary, the available evidence is currently insufficient to determine the role of this variant in disease. Therefore, it has been classified as a Variant of Uncertain Significance.